The following is an entry in ClinVar:

ClinVar aggregate classification (germline): Uncertain significance (1 of 4 stars; one submission).

Conditions:
Inborn genetic diseases. Identifiers: MedGen C0950123, MeSH D030342.

Submission:

Ambry Genetics
Classification: Uncertain significance for Inborn genetic diseases. Last evaluated: 2022-06-13. Review status: criteria provided, single submitter. Criteria: Ambry Variant Classification Scheme 2023. Collection method: clinical testing. Allele origin: germline.
Comment: The c.789G>T (p.Q263H) alteration is located in exon 7 (coding exon 6) of the GRIA4 gene. This alteration results from a G to T substitution at nucleotide position 789, causing the glutamine (Q) at amino acid position 263 to be replaced by a histidine (H). This variant was not reported in population-based cohorts in the Genome Aggregation Database (gnomAD). This amino acid position is highly conserved in available vertebrate species. The in silico prediction for this alteration is inconclusive. Based on insufficient or conflicting evidence, the clinical significance of this alteration remains unclear.

NM_000829.4(GRIA4):c.789G>T (p.Gln263His)

Gene: GRIA4 (glutamate ionotropic receptor AMPA type subunit 4; plus strand). Cytogenetic location: 11q22.3.
Variant type: single nucleotide variant.
Coding change: c.789G>T on transcript NM_000829.4 (MANE Select); coding-DNA position 789, G replaced by T.
Protein change: p.Gln263His; replaces glutamine 263 with histidine.
Molecular consequence: missense variant. On other transcripts: non-coding transcript variant (1).
Genome position (GRCh38, 1-based): chr11:105,898,331, G>T. VCF-style: chr11-105898331-G-T. GRCh37 (hg19) VCF-style: chr11-105769057-G-T.
Other names: c.789G>T, p.Gln263His (NM_001077243.3, NM_001077244.2, NM_001112812.2); short protein forms Q263H.
Identifiers: ClinVar variation 2293405 (VCV002293405.2), dbSNP rs2497780843, ClinGen allele CA382302933.